The following is an entry in ClinVar:

NM_198253.3(TERT):c.82G>A (p.Val28Met)

Genes: TERT (telomerase reverse transcriptase; minus strand), LOC110806263 (TERT 5' regulatory region; plus strand). Cytogenetic location: 5p15.33.
Variant type: single nucleotide variant.
Coding change: c.82G>A on transcript NM_198253.3 (MANE Select); coding-DNA position 82, G replaced by A.
Protein change: p.Val28Met; replaces valine 28 with methionine.
Molecular consequence: missense variant. On other transcripts: non-coding transcript variant (2).
Genome position (GRCh38, 1-based): chr5:1,294,908, C>T on the plus strand (G>A on the coding strand, the complement: TERT is on the minus strand). VCF-style: chr5-1294908-C-T. GRCh37 (hg19) VCF-style: chr5-1295023-C-T.
Other names: c.82G>A, p.Val28Met (NM_001193376.3); short protein forms V28M.
Identifiers: ClinVar variation 3805807 (VCV003805807.1).

ClinVar aggregate classification (germline): Uncertain significance (1 of 4 stars; one submission).

Conditions:
Dyskeratosis congenita. Identifiers: Orphanet 1775, MedGen C0265965, MONDO:0015780.

Submission:

Ambry Genetics
Classification: Uncertain significance for Dyskeratosis congenita. Last evaluated: 2025-03-12. Review status: criteria provided, single submitter. Criteria: Ambry Variant Classification Scheme 2023. Collection method: clinical testing. Allele origin: germline.
Comment: The p.V28M variant (also known as c.82G>A), located in coding exon 1 of the TERT gene, results from a G to A substitution at nucleotide position 82. The valine at codon 28 is replaced by methionine, an amino acid with highly similar properties. This amino acid position is conserved. In addition, this alteration is predicted to be tolerated by in silico analysis. Based on the available evidence, the clinical significance of this variant remains unclear.